The following is an entry in ClinVar:

NM_007074.4(CORO1A):c.756_756+1del

Genes: CORO1A (coronin 1A; plus strand), LOC121587541 (Sharpr-MPRA regulatory region 7413; plus strand). Cytogenetic location: 16p11.2.
Variant type: Deletion.
Coding change: c.756_756+1del on transcript NM_007074.4 (MANE Select); coding-DNA position 756 through the canonical splice donor site of the intron after coding-DNA position 756, 2 bases deleted (AG; older notation c.756_756+1delAG).
Molecular consequence: splice donor variant.
Genome position (GRCh38, 1-based): chr16:30,187,501-30,187,502, AG deleted. VCF-style (leftmost placement, unchanged base first): chr16-30187500-CAG-C. GRCh37 (hg19) VCF-style: chr16-30198821-CAG-C.
Other names: c.756_756+1del (NM_001193333.3).
Identifiers: ClinVar variation 2809851 (VCV002809851.3), dbSNP rs2543756633, ClinGen allele CA2632685567.

ClinVar aggregate classification (germline): Likely pathogenic (1 of 4 stars; one submission).

Conditions:
Severe combined immunodeficiency due to CORO1A deficiency. Also called: Immunodeficiency 8; IMMUNODEFICIENCY 8 WITH LYMPHOPROLIFERATION. Identifiers: Orphanet 228003, MedGen C3809383, MONDO:0014168, OMIM 615401.

Submission:

Labcorp Genetics (formerly Invitae), Labcorp
Classification: Likely pathogenic for Severe combined immunodeficiency due to CORO1A deficiency. Last evaluated: 2025-11-03. Review status: criteria provided, single submitter. Criteria: Invitae Variant Classification Sherloc (09022015). Collection method: clinical testing. Allele origin: germline.
Comment: This variant results in the deletion of part of exon 6 (c.756_756+1del) of the CORO1A gene. It is expected to disrupt RNA splicing. Variants that disrupt the donor or acceptor splice site typically lead to a loss of protein function (PMID: 16199547), and loss-of-function variants in CORO1A are known to be pathogenic (PMID: 18836449, 25073507). This variant is not present in population databases (gnomAD no frequency). This variant has not been reported in the literature in individuals affected with CORO1A-related conditions. ClinVar contains an entry for this variant (Variation ID: 2809851). Algorithms developed to predict the effect of sequence changes on RNA splicing suggest that this variant may disrupt the consensus splice site. In summary, the currently available evidence indicates that the variant is pathogenic, but additional data are needed to prove that conclusively. Therefore, this variant has been classified as Likely Pathogenic.

Literature cited by the submitters: PubMed 16199547; PubMed 18836449; PubMed 25073507.